The following is an entry in ClinVar:

ClinVar aggregate classification (germline): Uncertain significance (1 of 4 stars; one submission).

Conditions:
Charcot-Marie-Tooth disease type 4. Also called: Charcot-Marie-Tooth disease, type IV; Charcot-Marie-Tooth, Type 4. Identifiers: Orphanet 64749, MedGen C4082197, MONDO:0018995.

Submission:

Labcorp Genetics (formerly Invitae), Labcorp
Classification: Uncertain significance for Charcot-Marie-Tooth disease type 4. Last evaluated: 2022-07-18. Review status: criteria provided, single submitter. Criteria: Invitae Variant Classification Sherloc (09022015). Collection method: clinical testing. Allele origin: germline.
Comment: In summary, the available evidence is currently insufficient to determine the role of this variant in disease. Therefore, it has been classified as a Variant of Uncertain Significance. This variant has not been reported in the literature in individuals affected with SBF2-related conditions. This variant results in a copy number gain of the genomic region encompassing exon(s) 1 of the SBF2 gene. This region includes the initiator codon of the gene. This copy number gain extends beyond the assayed region for this gene and therefore may encompass additional genes. As the precise location of this event is unknown, it may be in tandem or it may be located elsewhere in the genome.

NC_000011.10:g.(?_10294005)_(10294079_?)dup

Gene: SBF2 (SET binding factor 2; minus strand). Cytogenetic location: 11p15.4.
Variant type: Duplication.
Identifiers: ClinVar variation 831958 (VCV000831958.8).